The following is an entry in ClinVar:

ClinVar aggregate classification (germline): Uncertain significance. Review status: criteria provided, multiple submitters, no conflicts (2 of 4 stars). 2 submissions from 2 submitters: Uncertain significance (2). Last evaluated 2025-10-07.

Conditions:
CASP10-related disorder. Also called: CASP10-related condition.
Autoimmune lymphoproliferative syndrome type 2A (ALPS2A). Also called: CASP10-Related Autoimmune Lymphoproliferative Syndrome; Autoimmune lymphoproliferative syndrome type 2; AUTOIMMUNE LYMPHOPROLIFERATIVE SYNDROME, TYPE IIA. Identifiers: Orphanet 3261, MedGen C1858968, MONDO:0011383, OMIM 603909.

Allele frequency attached by ClinVar (database versions not stated): gnomAD exomes 0.00001; TOPMed 0.00001.
gnomAD v4.1: 10 of 1,614,042 alleles (0.00062%); highest among the groups gnomAD compares: Middle Eastern, 0.082%; no homozygotes.

Submissions (2):

Labcorp Genetics (formerly Invitae), Labcorp
Classification: Uncertain significance for Autoimmune lymphoproliferative syndrome type 2A. Last evaluated: 2025-10-07. Review status: criteria provided, single submitter. Criteria: Invitae Variant Classification Sherloc (09022015). Collection method: clinical testing. Allele origin: germline.
Comment: This sequence change replaces tyrosine, which is neutral and polar, with cysteine, which is neutral and slightly polar, at codon 208 of the CASP10 protein (p.Tyr208Cys). This variant is not present in population databases (gnomAD no frequency). This variant has not been reported in the literature in individuals affected with CASP10-related conditions. ClinVar contains an entry for this variant (Variation ID: 2634914). An algorithm developed to predict the effect of missense changes on protein structure and function (PolyPhen-2) suggests that this variant is likely to be disruptive. In summary, the available evidence is currently insufficient to determine the role of this variant in disease. Therefore, it has been classified as a Variant of Uncertain Significance.

PreventionGenetics, part of Exact Sciences
Classification: Uncertain significance for CASP10-related condition. Last evaluated: 2023-01-27. Review status: criteria provided, single submitter. Criteria: ACMG Guidelines, 2015. Collection method: clinical testing. Allele origin: germline.
Comment: The CASP10 c.623A>G variant is predicted to result in the amino acid substitution p.Tyr208Cys. To our knowledge, this variant has not been reported in the literature or in a large population database, indicating this variant is rare. At this time, the clinical significance of this variant is uncertain due to the absence of conclusive functional and genetic evidence.

NM_032977.4(CASP10):c.623A>G (p.Tyr208Cys)

Gene: CASP10 (caspase 10; plus strand). Cytogenetic location: 2q33.1.
Variant type: single nucleotide variant.
Coding change: c.623A>G on transcript NM_032977.4 (MANE Select); coding-DNA position 623, A replaced by G.
Protein change: p.Tyr208Cys; replaces tyrosine 208 with cysteine.
Molecular consequence: missense variant.
Genome position (GRCh38, 1-based): chr2:201,195,887, A>G. VCF-style: chr2-201195887-A-G. GRCh37 (hg19) VCF-style: chr2-202060610-A-G.
Other names: c.623A>G, p.Tyr208Cys (NM_001206524.2, NM_001206542.2, NM_001230.5 and 3 more transcripts); short protein forms Y208C.
Identifiers: ClinVar variation 2634914 (VCV002634914.2), dbSNP rs952354110, ClinGen allele CA63857978.